The following is an entry in ClinVar:

ClinVar aggregate classification (germline): Uncertain significance (1 of 4 stars; one submission).

Allele frequency attached by ClinVar (database versions not stated): ExAC 0.00001; gnomAD 0.00001; gnomAD exomes 0.00001; TOPMed 0.00002.
gnomAD v4.1: 18 of 1,613,980 alleles (0.0011%); highest among the groups gnomAD compares: South Asian, 0.0077%; no homozygotes.

Submission:

Labcorp Genetics (formerly Invitae), Labcorp
Classification: Uncertain significance. Last evaluated: 2021-12-01. Review status: criteria provided, single submitter. Criteria: Invitae Variant Classification Sherloc (09022015). Collection method: clinical testing. Allele origin: germline.
Comment: This sequence change replaces arginine, which is basic and polar, with glutamine, which is neutral and polar, at codon 133 of the DHX38 protein (p.Arg133Gln). This variant is present in population databases (rs762344139, gnomAD 0.006%). This variant has not been reported in the literature in individuals affected with DHX38-related conditions. Algorithms developed to predict the effect of missense changes on protein structure and function are either unavailable or do not agree on the potential impact of this missense change (SIFT: "Tolerated"; PolyPhen-2: "Possibly Damaging"; Align-GVGD: "Class C0"). In summary, the available evidence is currently insufficient to determine the role of this variant in disease. Therefore, it has been classified as a Variant of Uncertain Significance.

NM_014003.4(DHX38):c.398G>A (p.Arg133Gln)

Gene: DHX38 (DEAH-box helicase 38; plus strand). Cytogenetic location: 16q22.2.
Variant type: single nucleotide variant.
Coding change: c.398G>A on transcript NM_014003.4 (MANE Select); coding-DNA position 398, G replaced by A.
Protein change: p.Arg133Gln; replaces arginine 133 with glutamine.
Molecular consequence: missense variant.
Genome position (GRCh38, 1-based): chr16:72,096,896, G>A. VCF-style: chr16-72096896-G-A. GRCh37 (hg19) VCF-style: chr16-72130795-G-A.
Other names: short protein forms R133Q.
Identifiers: ClinVar variation 1927490 (VCV001927490.5), dbSNP rs762344139, ClinGen allele CA8159956.
Genomic context (GRCh38, chr16:72,096,896, plus strand): 5'-CTCGGGTAGAGACTCCATCCCATCCGGGTGGTGTGAGCGAAGAGTTTTGGGAACGCAGTC[G>A]GCAGAGAGAGCGGGAGCGGCGGGAACATGGTGTCTATGCCTCGTCCAAAGAAGAAAAGGA-3'
Protein context (NP_054722.2, residues 123-143): GVSEEFWERS[Arg133Gln]QRERERREHG